The following is an entry in ClinVar:

NM_002972.4(SBF1):c.226G>A (p.Glu76Lys)

Gene: SBF1 (SET binding factor 1; minus strand). Cytogenetic location: 22q13.33.
Variant type: single nucleotide variant.
Coding change: c.226G>A on transcript NM_002972.4 (MANE Select); coding-DNA position 226, G replaced by A.
Protein change: p.Glu76Lys; replaces glutamic acid 76 with lysine.
Molecular consequence: missense variant.
Genome position (GRCh38, 1-based): chr22:50,467,839, C>T on the plus strand (G>A on the coding strand, the complement: SBF1 is on the minus strand). VCF-style: chr22-50467839-C-T. GRCh37 (hg19) VCF-style: chr22-50906268-C-T.
Other names: c.226G>A, p.Glu76Lys (NM_001365819.1, NM_001410794.1, NM_001410795.1 and 1 more transcripts); short protein forms E76K.
Identifiers: ClinVar variation 1905023 (VCV001905023.5), dbSNP rs761828233, ClinGen allele CA10318188.

ClinVar aggregate classification (germline): Uncertain significance (1 of 4 stars; one submission).

Allele frequency attached by ClinVar (database versions not stated): gnomAD exomes below 0.00001; TOPMed 0.00001; ExAC 0.00002.

Submission:

Labcorp Genetics (formerly Invitae), Labcorp
Classification: Uncertain significance. Last evaluated: 2024-01-29. Review status: criteria provided, single submitter. Criteria: Invitae Variant Classification Sherloc (09022015). Collection method: clinical testing. Allele origin: germline.
Comment: This sequence change replaces glutamic acid, which is acidic and polar, with lysine, which is basic and polar, at codon 76 of the SBF1 protein (p.Glu76Lys). This variant is present in population databases (rs761828233, gnomAD 0.002%). This variant has not been reported in the literature in individuals affected with SBF1-related conditions. ClinVar contains an entry for this variant (Variation ID: 1905023). Advanced modeling of protein sequence and biophysical properties (such as structural, functional, and spatial information, amino acid conservation, physicochemical variation, residue mobility, and thermodynamic stability) performed at Invitae indicates that this missense variant is not expected to disrupt SBF1 protein function with a negative predictive value of 80%. In summary, the available evidence is currently insufficient to determine the role of this variant in disease. Therefore, it has been classified as a Variant of Uncertain Significance.